The following is an entry in ClinVar:

ClinVar aggregate classification (germline): Pathogenic (1 of 4 stars; one submission).

Conditions:
Hereditary cancer-predisposing syndrome. Also called: Tumor predisposition; Neoplastic Syndromes, Hereditary; Hereditary neoplastic syndrome; Hereditary Cancer Syndrome. Identifiers: Orphanet 140162, MedGen C0027672, MeSH D009386, MONDO:0015356.

Submission:

Color Diagnostics, LLC DBA Color Health
Classification: Pathogenic for Hereditary cancer-predisposing syndrome. Last evaluated: 2020-03-16. Review status: criteria provided, single submitter. Criteria: ACMG Guidelines, 2015. Collection method: clinical testing. Allele origin: germline.
Comment: This variant deletes 1 nucleotide in exon 52 of the ATM gene, creating a frameshift and premature translation stop signal. This variant is expected to result in an absent or non-functional protein product. To our knowledge, this variant has not been reported in individuals affected with hereditary cancer in the literature. This variant has not been identified in the general population by the Genome Aggregation Database (gnomAD). Loss of ATM function is a known mechanism of disease. Based on the available evidence, this variant is classified as Pathogenic.

NM_000051.4(ATM):c.7729del (p.Glu2576_Val2577insTer)

Genes: ATM (ATM serine/threonine kinase; plus strand), C11orf65 (chromosome 11 open reading frame 65; minus strand). Cytogenetic location: 11q22.3.
Variant type: Deletion.
Coding change: c.7729del on transcript NM_000051.4 (MANE Select); coding-DNA position 7729, one base deleted (G; older notation c.7729delG).
Protein change: p.Glu2576_Val2577insTer.
Molecular consequence: nonsense. On other transcripts: frameshift variant (1), intron variant (2).
Genome position (GRCh38, 1-based): chr11:108,331,978, G deleted; the last of 2 consecutive G bases (chr11:108,331,977-108,331,978); deleting either gives the same sequence. VCF-style (leftmost placement, unchanged base first): chr11-108331976-AG-A. GRCh37 (hg19) VCF-style: chr11-108202703-AG-A.
Other names: c.7729delG, p.Val2577Terfs (NM_000051.3); c.7729del, p.Glu2576_Val2577insTer (NM_001351834.2); c.641-22906del (NM_001330368.2); c.*38+3243del (NM_001351110.2).
Identifiers: ClinVar variation 921109 (VCV000921109.5), dbSNP rs2086303574, ClinGen allele CA1139662182.